The following is an entry in ClinVar:

NM_017763.6(RNF43):c.953-18C>T

Gene: RNF43 (ring finger protein 43; minus strand). Cytogenetic location: 17q22.
Variant type: single nucleotide variant.
Coding change: c.953-18C>T on transcript NM_017763.6 (MANE Select); 18 bases into the intron before coding-DNA position 953, C replaced by T.
Molecular consequence: intron variant.
Genome position (GRCh38, 1-based): chr17:58,358,841, G>A on the plus strand (C>T on the coding strand, the complement: RNF43 is on the minus strand). VCF-style: chr17-58358841-G-A. GRCh37 (hg19) VCF-style: chr17-56436202-G-A.
Other names: c.953-18C>T (NM_001438822.1, NM_001305544.3, NM_001438820.1 and 1 more transcripts); c.572-18C>T (NM_001305545.2, NM_001437987.1).
Identifiers: ClinVar variation 1572936 (VCV001572936.10), dbSNP rs536706190, ClinGen allele CA2267670102.

ClinVar aggregate classification (germline): Likely benign. Review status: criteria provided, multiple submitters, no conflicts (2 of 4 stars). 2 submissions from 2 submitters: Likely benign (2). Last evaluated 2026-06-26.

Conditions:
Sessile serrated polyposis cancer syndrome (SSPCS). Identifiers: Orphanet 157798, MedGen C4310714, MONDO:0014919, OMIM 617108.

Allele frequency attached by ClinVar (database versions not stated): gnomAD exomes below 0.00001; TOPMed 0.00002.
gnomAD v4.1: 6 of 1,473,894 alleles (0.00041%); highest among the groups gnomAD compares: Admixed American, 0.015%; no homozygotes.

Submissions (2):

Myriad Genetics, Inc.
Classification: Likely benign for Sessile serrated polyposis cancer syndrome. Last evaluated: 2026-06-26. Review status: criteria provided, single submitter. Criteria: Myriad Autosomal Dominant, Autosomal Recessive and X-Linked Classification Criteria (2023). Collection method: clinical testing. Allele origin: unknown.
Comment: This variant is considered likely benign. This variant is intronic and is not expected to impact mRNA splicing.

Labcorp Genetics (formerly Invitae), Labcorp
Classification: Likely benign. Last evaluated: 2024-10-24. Review status: criteria provided, single submitter. Criteria: Invitae Variant Classification Sherloc (09022015). Collection method: clinical testing. Allele origin: germline.